The following is an entry in ClinVar:

NM_001148.6(ANK2):c.10099T>C (p.Ser3367Pro)

Gene: ANK2 (ankyrin 2; plus strand). Cytogenetic location: 4q26.
Variant type: single nucleotide variant.
Coding change: c.10099T>C on transcript NM_001148.6 (MANE Select); coding-DNA position 10099, T replaced by C.
Protein change: p.Ser3367Pro; replaces serine 3367 with proline.
Molecular consequence: missense variant. On other transcripts: intron variant (68).
Genome position (GRCh38, 1-based): chr4:113,358,717, T>C. VCF-style: chr4-113358717-T-C. GRCh37 (hg19) VCF-style: chr4-114279873-T-C.
Other names: c.4361-2106T>C (NM_001354244.2, NM_001354256.2, NM_001386161.1); c.4400-2106T>C (NM_001127493.3); c.4364-2106T>C (NM_001386143.1, NM_001354243.2, NM_001354255.2); c.4265-2106T>C (NM_001354262.2, NM_001354275.2, NM_001354245.2); c.4202-2106T>C (NM_001354253.2, NM_001354270.2); c.4166-2106T>C (NM_001354257.2, NM_001386156.1); c.4241-2106T>C (NM_001354249.2, NM_001354266.2, NM_001354276.2 and 2 more transcripts); c.4208-2106T>C (NM_001386146.1, NM_001386150.1, NM_001386149.1 and 1 more transcripts); and 35 more; short protein forms S2167P, S3367P, S3289P, S3406P, S3414P.
Identifiers: ClinVar variation 4724955 (VCV004724955.1).

ClinVar aggregate classification (germline): Uncertain significance (1 of 4 stars; one submission).

Conditions:
Long QT syndrome (LQTS). Identifiers: MedGen C0023976, MeSH D008133, MONDO:0002442. Disease mechanism: loss of function. Inheritance: Various modes of inheritance.

Submission:

Labcorp Genetics (formerly Invitae), Labcorp
Classification: Uncertain significance for Long QT syndrome. Last evaluated: 2025-08-11. Review status: criteria provided, single submitter. Criteria: Invitae Variant Classification Sherloc (09022015). Collection method: clinical testing. Allele origin: germline.
Comment: This sequence change replaces serine, which is neutral and polar, with proline, which is neutral and non-polar, at codon 3367 of the ANK2 protein (p.Ser3367Pro). This variant is not present in population databases (gnomAD no frequency). This variant has not been reported in the literature in individuals affected with ANK2-related conditions. An algorithm developed to predict the effect of missense changes on protein structure and function outputs the following: PolyPhen-2: "Benign". The proline amino acid residue is found in multiple mammalian species, which suggests that this missense change does not adversely affect protein function. In summary, the available evidence is currently insufficient to determine the role of this variant in disease. Therefore, it has been classified as a Variant of Uncertain Significance.